The following is an entry in ClinVar:

NM_005982.4(SIX1):c.34G>T (p.Glu12Ter)

Gene: SIX1 (SIX homeobox 1; minus strand). Cytogenetic location: 14q23.1.
Variant type: single nucleotide variant.
Coding change: c.34G>T on transcript NM_005982.4 (MANE Select); coding-DNA position 34, G replaced by T.
Protein change: p.Glu12Ter; replaces glutamic acid 12 with a stop codon.
Molecular consequence: nonsense.
Genome position (GRCh38, 1-based): chr14:60,649,156, C>A on the plus strand (G>T on the coding strand, the complement: SIX1 is on the minus strand). VCF-style: chr14-60649156-C-A. GRCh37 (hg19) VCF-style: chr14-61115874-C-A.
Other names: c.34G>T, p.Glu12Ter (NM_001425142.1); short protein forms E12*.
Identifiers: ClinVar variation 5001224 (VCV005001224.1).

ClinVar aggregate classification (germline): Likely pathogenic (1 of 4 stars; one submission).

Conditions:
SIX1-related disorder. Also called: SIX1-related condition.

Submission:

PreventionGenetics, part of Exact Sciences
Classification: Likely pathogenic for SIX1-related condition. Last evaluated: 2025-06-26. Review status: criteria provided, single submitter. Criteria: ACMG Guidelines, 2015. Collection method: clinical testing. Allele origin: germline.
Comment: The SIX1 c.34G>T variant is predicted to result in premature protein termination (p.Glu12*). To our knowledge, this variant has not been reported in the literature or in a large population database (gnomAD), indicating this variant is rare. Nonsense variants in SIX1 are expected to be pathogenic. This variant is interpreted as likely pathogenic.